The following is an entry in ClinVar:

ClinVar aggregate classification (germline): Benign/Likely benign. Review status: criteria provided, multiple submitters, no conflicts (2 of 4 stars). 5 submissions from 5 submitters: Benign (2); Likely benign (3). Last evaluated 2025-05-27.

Conditions:
Tuberous sclerosis 2 (TSC2). Identifiers: Orphanet 805, MedGen C1860707, MONDO:0013199, OMIM 613254.
Tuberous sclerosis syndrome (TSC). Also called: Tuberous Sclerosis Complex; Tuberous sclerosis. Identifiers: Orphanet 805, MedGen C0041341, MONDO:0001734.
Hereditary cancer-predisposing syndrome. Also called: Neoplastic Syndromes, Hereditary; Tumor predisposition; Hereditary Cancer Syndrome; Hereditary neoplastic syndrome. Identifiers: Orphanet 140162, MedGen C0027672, MeSH D009386, MONDO:0015356.

Submissions (5):

Labcorp Genetics (formerly Invitae), Labcorp
Classification: Likely benign for Tuberous sclerosis 2. Last evaluated: 2025-05-27. Review status: criteria provided, single submitter. Criteria: Invitae Variant Classification Sherloc (09022015). Collection method: clinical testing. Allele origin: germline.

Myriad Genetics, Inc.
Classification: Benign for Tuberous sclerosis 2. Last evaluated: 2025-05-08. Review status: criteria provided, single submitter. Criteria: Myriad Autosomal Dominant, Autosomal Recessive and X-Linked Classification Criteria (2023). Collection method: clinical testing. Allele origin: unknown.
Comment: This variant is considered benign. This variant is a silent/synonymous amino acid change and it is not expected to impact splicing.

Laboratory of Genetics, Children's Clinical University Hospital Latvia
Classification: Benign. Last evaluated: 2025-02-16. Review status: criteria provided, single submitter. Criteria: ACMG Guidelines, 2015. Collection method: clinical testing. Allele origin: germline. Affected: yes.

Ambry Genetics
Classification: Likely benign for Hereditary cancer-predisposing syndrome. Last evaluated: 2024-06-03. Review status: criteria provided, single submitter. Criteria: Ambry Variant Classification Scheme 2023. Collection method: clinical testing. Allele origin: germline.

All of Us Research Program, National Institutes of Health
Classification: Likely benign for Tuberous sclerosis syndrome. Last evaluated: 2023-10-27. Review status: criteria provided, single submitter. Criteria: ACMG Guidelines, 2015. Collection method: clinical testing. Allele origin: germline. Inheritance: Autosomal dominant inheritance. Observed: 1 variant allele, 1 heterozygote.
Comment: This study involves interpretation of variants in research participants for the purpose of population health screening. Participant phenotype was not available at the time of variant classification. Additional details can be found in publication PMID: 35346344, PMCID: PMC8962531

NM_000548.5(TSC2):c.630G>C (p.Ala210=)

Gene: TSC2 (TSC complex subunit 2; plus strand). Cytogenetic location: 16p13.3.
Variant type: single nucleotide variant.
Coding change: c.630G>C on transcript NM_000548.5 (MANE Select); coding-DNA position 630, G replaced by C.
Protein change: p.Ala210=; no amino-acid change (alanine 210 retained).
Molecular consequence: synonymous variant.
Genome position (GRCh38, 1-based): chr16:2,056,226, G>C. VCF-style: chr16-2056226-G-C. GRCh37 (hg19) VCF-style: chr16-2106227-G-C.
Other names: c.630G>C (NM_000548.3); c.630G>C, p.Ala210= (NM_001077183.3, NM_001114382.3, NM_001363528.2 and 3 more transcripts); c.519G>C, p.Ala173= (NM_001318827.2); c.483G>C, p.Ala161= (NM_001318829.2); c.30G>C, p.Ala10= (NM_001318831.2); c.663G>C, p.Ala221= (NM_001318832.2).
Identifiers: ClinVar variation 1129277 (VCV001129277.13), dbSNP rs567756494, ClinGen allele CA492956345.